The following is an entry in ClinVar:

NM_006612.6(KIF1C):c.1751-12_1751-10del

Genes: KIF1C (kinesin family member 1C; plus strand), LOC126862473 (CDK7 strongly-dependent group 2 enhancer GRCh37_chr17:4923264-4924463; plus strand). Cytogenetic location: 17p13.2.
Variant type: Microsatellite.
Coding change: c.1751-12_1751-10del on transcript NM_006612.6 (MANE Select); 12 bases into the intron before coding-DNA position 1751 through 10 bases into the intron before coding-DNA position 1751, 3 bases deleted (TCC; older notation c.1751-12_1751-10delTCC).
Molecular consequence: intron variant.
Genome position (GRCh38, 1-based): chr17:5,020,480-5,020,482, TCC deleted; deleting any 3 consecutive bases within chr17:5,020,475-5,020,482 gives the same sequence; the c. name uses the placement nearest the transcript's 3' end. VCF-style (leftmost placement, unchanged base first): chr17-5020474-CCCT-C. GRCh37 (hg19) VCF-style: chr17-4923769-CCCT-C.
Other names: c.1751-12_1751-10delTCC (NM_006612.5).
Identifiers: ClinVar variation 421905 (VCV000421905.6), dbSNP rs756711554, ClinGen allele CA8319116.

ClinVar aggregate classification (germline): Likely benign. Review status: criteria provided, multiple submitters, no conflicts (2 of 4 stars). 2 submissions from 2 submitters: Likely benign (2). Last evaluated 2025-07-14.

Conditions:
Spastic ataxia 2. Also called: Ataxia, spastic, 2, autosomal recessive. Identifiers: Orphanet 397946, MedGen C1969796, MONDO:0012651, OMIM 611302.

Submissions (2):

Labcorp Genetics (formerly Invitae), Labcorp
Classification: Likely benign for Spastic ataxia 2. Last evaluated: 2025-07-14. Review status: criteria provided, single submitter. Criteria: Invitae Variant Classification Sherloc (09022015). Collection method: clinical testing. Allele origin: germline.

GeneDx
Classification: Likely benign. Last evaluated: 2016-08-04. Review status: criteria provided, single submitter. Criteria: GeneDx Variant Classification (06012015). Collection method: clinical testing. Allele origin: germline. Affected: yes.
Comment: This variant is considered likely benign or benign based on one or more of the following criteria: it is a conservative change, it occurs at a poorly conserved position in the protein, it is predicted to be benign by multiple in silico algorithms, and/or has population frequency not consistent with disease.